The following is an entry in ClinVar:

ClinVar aggregate classification (germline): Uncertain significance. Review status: criteria provided, multiple submitters, no conflicts (2 of 4 stars). 5 submissions from 5 submitters: Uncertain significance (5). Last evaluated 2025-04-03.

Conditions:
ZNF469-related disorder. Also called: ZNF469-related condition.
Cardiovascular phenotype. Identifiers: MedGen CN230736.

Submissions (5):

Labcorp Genetics (formerly Invitae), Labcorp
Classification: Uncertain significance. Last evaluated: 2025-04-03. Review status: criteria provided, single submitter. Criteria: Invitae Variant Classification Sherloc (09022015). Collection method: clinical testing. Allele origin: germline.
Comment: This sequence change creates a premature translational stop signal (p.Arg3818Profs*70) in the ZNF469 gene. While this is not anticipated to result in nonsense mediated decay, it is expected to disrupt the last 108 amino acid(s) of the ZNF469 protein. This variant is present in population databases (no rsID available, gnomAD 0.004%). This variant has not been reported in the literature in individuals affected with ZNF469-related conditions. ClinVar contains an entry for this variant (Variation ID: 1343544). Experimental studies and prediction algorithms are not available or were not evaluated, and the functional significance of this variant is currently unknown. In summary, the available evidence is currently insufficient to determine the role of this variant in disease. Therefore, it has been classified as a Variant of Uncertain Significance.

PreventionGenetics, part of Exact Sciences
Classification: Uncertain significance for ZNF469-related condition. Last evaluated: 2024-12-05. Review status: criteria provided, single submitter. Criteria: ACMG Guidelines, 2015. Collection method: clinical testing. Allele origin: germline.
Comment: The ZNF469 c.11452dupC variant is predicted to result in a frameshift and premature protein termination (p.Arg3818Profs*70). To our knowledge, this variant has not been reported in the literature. This variant is reported in 0.0051% of alleles in individuals of European (Non-Finnish) descent in gnomAD. At this time, the clinical significance of this variant is uncertain due to the absence of conclusive functional and genetic evidence.

Ambry Genetics
Classification: Uncertain significance for Cardiovascular phenotype. Last evaluated: 2022-03-04. Review status: criteria provided, single submitter. Criteria: Ambry Variant Classification Scheme 2023. Collection method: clinical testing. Allele origin: germline.
Comment: The c.11452dupC variant, located in coding exon 2 of the ZNF469 gene, results from a duplication of C at nucleotide position 11452, causing a translational frameshift with a predicted alternate stop codon (p.R3818Pfs*70). This alteration occurs at the 3' terminus of theZNF469 gene, is not expected to trigger nonsense-mediated mRNAdecay, and only impacts the last 39 amino acids of the protein. The exact functional effect of this alteration is unknown. Since supporting evidence is limited at this time, the clinical significance of this alteration remains unclear.

Women's Health and Genetics/Laboratory Corporation of America, LabCorp
Classification: Uncertain significance. Last evaluated: 2022-02-21. Review status: criteria provided, single submitter. Criteria: LabCorp Variant Classification Summary - May 2015. Collection method: clinical testing. Allele origin: germline.
Comment: Variant summary: ZNF469 c.11536dupC (p.Arg3846ProfsX70) in the last exon results in a premature termination codon, predicted to cause a truncation of the encoded protein or absence of the protein due to nonsense mediated decay, which are commonly known mechanisms for disease. Truncations downstream of this position have not been observed at our laboratory. The variant allele was found at a frequency of 2e-05 in 153116 control chromosomes. The available data on variant occurrences in the general population are insufficient to allow any conclusion about variant significance. To our knowledge, no occurrence of c.11536dupC in individuals affected with Brittle Cornea Syndrome 1 and no experimental evidence demonstrating its impact on protein function have been reported. No clinical diagnostic laboratories have submitted clinical-significance assessments for this variant to ClinVar after 2014. Based on the evidence outlined above, the variant was classified as uncertain significance.

Breakthrough Genomics
Classification: Uncertain significance. Review status: criteria provided, single submitter. Criteria: ACMG Guidelines, 2015. Collection method: not provided. Allele origin: germline. Inheritance: Autosomal recessive inheritance. Affected: yes.

NM_001367624.2(ZNF469):c.11536dup (p.Arg3846fs)

Gene: ZNF469 (zinc finger protein 469; plus strand). Cytogenetic location: 16q24.2.
Variant type: Duplication.
Coding change: c.11536dup on transcript NM_001367624.2 (MANE Select); coding-DNA position 11536, one base duplicated (C; older notation c.11536dupC).
Protein change: p.Arg3846fs; shifts the reading frame from arginine 3846.
Molecular consequence: frameshift variant.
Genome position (GRCh38, 1-based): chr16:88,439,006, C duplicated; the last of 7 consecutive C bases (chr16:88,439,000-88,439,006); duplicating any one gives the same sequence. VCF-style (leftmost placement, unchanged base first): chr16-88438999-G-GC. GRCh37 (hg19) VCF-style: chr16-88505407-G-GC.
Other names: NM_001127464.1:c.11452dupC; NM_001127464.2:c.11452dupC; c.11536dupC (NM_001367624.2); short protein forms R3846fs.
Identifiers: ClinVar variation 1343544 (VCV001343544.8), dbSNP rs1192814702, ClinGen allele CA497359984.
Genomic context (GRCh38, chr16:88,438,999, plus strand): 5'-AGGGCCAGCCAGGAGTGAAAGTGTGGGGAGCTTCGGGAGAGCCCCCTCAGCCCCTGACAA[G>GC]CCCCCCCGGACCCCTCGGAAGCAGGCAACTCCCAGCCGCGTGCTCCCGACCAAGCCCAAG-3'